The following is an entry in ClinVar:

ClinVar aggregate classification (germline): Uncertain significance. Review status: criteria provided, multiple submitters, no conflicts (2 of 4 stars). 2 submissions from 2 submitters: Uncertain significance (2). Last evaluated 2022-03-11.

Conditions:
Primary ciliary dyskinesia. Also called: Ciliary dyskinesia. Identifiers: Orphanet 244, MedGen C0008780, MONDO:0016575, HP:0012265.

Allele frequency attached by ClinVar (database versions not stated): gnomAD exomes below 0.00001; TOPMed below 0.00001; gnomAD 0.00001; 1000 Genomes Project 30x 0.00016; 1000 Genomes Project 0.00020.
gnomAD v4.1: 5 of 1,611,868 alleles (0.00031%); highest among the groups gnomAD compares: Admixed American, 0.0083%; no homozygotes.

Submissions (2):

Labcorp Genetics (formerly Invitae), Labcorp
Classification: Uncertain significance for Primary ciliary dyskinesia. Last evaluated: 2022-03-11. Review status: criteria provided, single submitter. Criteria: Invitae Variant Classification Sherloc (09022015). Collection method: clinical testing. Allele origin: germline.
Comment: This sequence change replaces aspartic acid, which is acidic and polar, with glycine, which is neutral and non-polar, at codon 4 of the RSPH9 protein (p.Asp4Gly). This variant is not present in population databases (gnomAD no frequency). This variant has not been reported in the literature in individuals affected with RSPH9-related conditions. Algorithms developed to predict the effect of missense changes on protein structure and function are either unavailable or do not agree on the potential impact of this missense change (SIFT: "Deleterious"; PolyPhen-2: "Possibly Damaging"; Align-GVGD: "Class C0"). In summary, the available evidence is currently insufficient to determine the role of this variant in disease. Therefore, it has been classified as a Variant of Uncertain Significance.

Breakthrough Genomics
Classification: Uncertain significance. Review status: criteria provided, single submitter. Criteria: ACMG Guidelines, 2015. Collection method: not provided. Allele origin: germline. Inheritance: Autosomal recessive inheritance. Affected: yes.

NM_152732.5(RSPH9):c.11A>G (p.Asp4Gly)

Gene: RSPH9 (radial spoke head component 9; plus strand). Cytogenetic location: 6p21.1.
Variant type: single nucleotide variant.
Coding change: c.11A>G on transcript NM_152732.5 (MANE Select); coding-DNA position 11, A replaced by G.
Protein change: p.Asp4Gly; replaces aspartic acid 4 with glycine.
Molecular consequence: missense variant. On other transcripts: non-coding transcript variant (2).
Genome position (GRCh38, 1-based): chr6:43,645,109, A>G. VCF-style: chr6-43645109-A-G. GRCh37 (hg19) VCF-style: chr6-43612846-A-G.
Other names: c.11A>G, p.Asp4Gly (NM_001193341.2, NM_001424119.1, NM_001424120.1 and 1 more transcripts); short protein forms D4G.
Identifiers: ClinVar variation 2064067 (VCV002064067.2), dbSNP rs532399493, ClinGen allele CA138329264.
Genomic context (GRCh38, chr6:43,645,109, plus strand): 5'-GGCGGCTTCTCCTAGCAACTCGACGGGCGTTGAGCGGAGCCGCTGACCTGATGGACGCCG[A>G]CAGCCTCCTGCTGTCTCTGGAGCTGGCGTCCGGCAGTGGGCAGGGCCTCAGCCCGGACCG-3'
Protein context (NP_689945.2, residues 1-14): MDA[Asp4Gly]SLLLSLELAS